The following is an entry in ClinVar:

ClinVar aggregate classification (germline): Uncertain significance (1 of 4 stars; one submission).

Conditions:
Fabry disease. Also called: ALPHA-GALACTOSIDASE A DEFICIENCY; ANDERSON-FABRY DISEASE; CERAMIDE TRIHEXOSIDASE DEFICIENCY; GLA DEFICIENCY; HEREDITARY DYSTOPIC LIPIDOSIS; Angiokeratoma corporis diffusum. Identifiers: Orphanet 324, MedGen C0002986, MONDO:0010526, OMIM 301500, HP:0001071. Disease mechanism: Fabry disease is due to inactivating mutations in the X-linked GLA gene resulting in deficiency of the enzyme Alpha Galactosidase-A., loss of function.

Submission:

Genomenon, Inc
Classification: Uncertain significance for Fabry disease. Last evaluated: 2026-09-08. Review status: criteria provided, single submitter. Criteria: Genomenon Sequence Variant Interpretation Standards - Updated. Collection method: curation. Allele origin: germline. Affected: yes.
Comment: GLA p.Leu54His (c.161T>A) is a missense variant that changes the amino acid at codon 54 from Leucine to Histidine. This variant has been observed in at least one proband with clinical features consistent with Fabry disease (PMID:37466024). It is absent or not present at a significant frequency in gnomAD. The presence of pathogenic/likely pathogenic missense variant(s) at the same amino acid position indicates that this residue is likely important for protein function. In conclusion, we classify GLA p.Leu54His (c.161T>A) as a variant of uncertain significance.

Literature cited by the submitters: PubMed 37466024.

NM_000169.3(GLA):c.161T>A (p.Leu54His)

Genes: GLA (galactosidase alpha; minus strand), RPL36A-HNRNPH2 (RPL36A-HNRNPH2 readthrough; plus strand). Cytogenetic location: Xq22.1.
Variant type: single nucleotide variant.
Coding change: c.161T>A on transcript NM_000169.3 (MANE Select); coding-DNA position 161, T replaced by A.
Protein change: p.Leu54His; replaces leucine 54 with histidine.
Molecular consequence: missense variant. On other transcripts: non-coding transcript variant (3), intron variant (2).
Genome position (GRCh38, 1-based): chrX:101,407,743, A>T on the plus strand (T>A on the coding strand, the complement: GLA is on the minus strand). VCF-style: chrX-101407743-A-T. GRCh37 (hg19) VCF-style: chrX-100662731-A-T.
Other names: c.161T>A, p.Leu54His (NM_001406747.1, NM_001406748.1, NM_001406749.1); c.301-4193A>T (NM_001199973.2); c.178-4193A>T (NM_001199974.2); short protein forms L54H.
Identifiers: ClinVar variation 4087289 (VCV004087289.2).